The following is an entry in ClinVar:

NM_001079855.2(GYG2):c.486C>T (p.Asp162=)

Gene: GYG2 (glycogenin 2; plus strand). Cytogenetic location: Xp22.33.
Variant type: single nucleotide variant.
Coding change: c.486C>T on transcript NM_001079855.2 (MANE Select); coding-DNA position 486, C replaced by T.
Protein change: p.Asp162=; no amino-acid change (aspartic acid 162 retained).
Molecular consequence: synonymous variant.
Genome position (GRCh38, 1-based): chrX:2,855,154, C>T. VCF-style: chrX-2855154-C-T. GRCh37 (hg19) VCF-style: chrX-2773195-C-T.
Other names: c.486C>T, p.Asp162= (NM_001184702.2); c.579C>T, p.Asp193= (NM_001184703.2, NM_003918.3); c.21C>T, p.Asp7= (NM_001184704.2).
Identifiers: ClinVar variation 2966615 (VCV002966615.3), dbSNP rs147580264, ClinGen allele CA10337085.

ClinVar aggregate classification (germline): Uncertain significance (1 of 4 stars; one submission).

Allele frequency attached by ClinVar (database versions not stated): ExAC 0.00001; gnomAD exomes 0.00002; gnomAD 0.00005; TOPMed 0.00007; ESP Exome Variant Server 0.00009.
gnomAD v4.1: 23 of 1,207,152 alleles (0.0019%); highest among the groups gnomAD compares: African/African-American, 0.021%; no homozygotes.

Submission:

Labcorp Genetics (formerly Invitae), Labcorp
Classification: Uncertain significance. Last evaluated: 2024-03-04. Review status: criteria provided, single submitter. Criteria: Invitae Variant Classification Sherloc (09022015). Collection method: clinical testing. Allele origin: germline.
Comment: This sequence change affects codon 193 of the GYG2 mRNA. It is a 'silent' change, meaning that it does not change the encoded amino acid sequence of the GYG2 protein. It affects a nucleotide within the consensus splice site. This variant is present in population databases (rs147580264, gnomAD 0.02%). This variant has not been reported in the literature in individuals affected with GYG2-related conditions. Algorithms developed to predict the effect of sequence changes on RNA splicing suggest that this variant is not likely to affect RNA splicing. In summary, the available evidence is currently insufficient to determine the role of this variant in disease. Therefore, it has been classified as a Variant of Uncertain Significance.